The following is an entry in ClinVar:

NM_001466.4(FZD2):c.999G>A (p.Met333Ile)

Gene: FZD2 (frizzled class receptor 2; plus strand). Cytogenetic location: 17q21.31.
Variant type: single nucleotide variant.
Coding change: c.999G>A on transcript NM_001466.4 (MANE Select); coding-DNA position 999, G replaced by A.
Protein change: p.Met333Ile; replaces methionine 333 with isoleucine.
Molecular consequence: missense variant.
Genome position (GRCh38, 1-based): chr17:44,558,687, G>A. VCF-style: chr17-44558687-G-A. GRCh37 (hg19) VCF-style: chr17-42636055-G-A.
Other names: short protein forms M333I.
Identifiers: ClinVar variation 4765981 (VCV004765981.1).

ClinVar aggregate classification (germline): Uncertain significance (1 of 4 stars; one submission).

Submission:

Labcorp Genetics (formerly Invitae), Labcorp
Classification: Uncertain significance. Last evaluated: 2025-07-30. Review status: criteria provided, single submitter. Criteria: Invitae Variant Classification Sherloc (09022015). Collection method: clinical testing. Allele origin: germline.
Comment: This sequence change replaces methionine, which is neutral and non-polar, with isoleucine, which is neutral and non-polar, at codon 333 of the FZD2 protein (p.Met333Ile). This variant is not present in population databases (gnomAD no frequency). This variant has not been reported in the literature in individuals affected with FZD2-related conditions. Invitae Evidence Modeling of protein sequence and biophysical properties (such as structural, functional, and spatial information, amino acid conservation, physicochemical variation, residue mobility, and thermodynamic stability) indicates that this missense variant is not expected to disrupt FZD2 protein function with a negative predictive value of 80%. In summary, the available evidence is currently insufficient to determine the role of this variant in disease. Therefore, it has been classified as a Variant of Uncertain Significance.